The following is an entry in ClinVar:

ClinVar aggregate classification (germline): Uncertain significance (1 of 4 stars; one submission).

Conditions:
Emery-Dreifuss muscular dystrophy 4, autosomal dominant (EDMD4). Also called: EMERY-DREIFUSS MUSCULAR DYSTROPHY 4 WITH VARIABLE FEATURES. Identifiers: Orphanet 261, MedGen C2751807, MONDO:0013071, OMIM 612998.
Autosomal recessive ataxia, Beauce type. Also called: Spinocerebellar ataxia, autosomal recessive 8; ATAXIA, RECESSIVE, OF BEAUCE; SYNE1 Deficiency; SYNE1-Related Autosomal Recessive Cerebellar Ataxia. Identifiers: Orphanet 88644, MedGen C1853116, MONDO:0012549, OMIM 610743.

Allele frequency attached by ClinVar (database versions not stated): gnomAD below 0.00001 and 0.00001.
gnomAD v4.1: 6 of 1,614,050 alleles (0.00037%); highest among the groups gnomAD compares: South Asian, 0.0055%; no homozygotes.

Submission:

Labcorp Genetics (formerly Invitae), Labcorp
Classification: Uncertain significance for Emery-Dreifuss muscular dystrophy 4, autosomal dominant; Autosomal recessive ataxia, Beauce type. Last evaluated: 2020-07-12. Review status: criteria provided, single submitter. Criteria: Invitae Variant Classification Sherloc (09022015). Collection method: clinical testing. Allele origin: germline.
Comment: In summary, the available evidence is currently insufficient to determine the role of this variant in disease. Therefore, it has been classified as a Variant of Uncertain Significance. Algorithms developed to predict the effect of sequence changes on RNA splicing suggest that this variant may create or strengthen a splice site, but this prediction has not been confirmed by published transcriptional studies. Algorithms developed to predict the effect of missense changes on protein structure and function are either unavailable or do not agree on the potential impact of this missense change (SIFT: "Deleterious"; PolyPhen-2: "Benign"; Align-GVGD: "Class C65"). This variant has not been reported in the literature in individuals with SYNE1-related conditions. This variant is not present in population databases (ExAC no frequency). This sequence change replaces glycine with valine at codon 3941 of the SYNE1 protein (p.Gly3941Val). The glycine residue is highly conserved and there is a moderate physicochemical difference between glycine and valine.

NM_182961.4(SYNE1):c.12035G>T (p.Gly4012Val)

Gene: SYNE1 (spectrin repeat containing nuclear envelope protein 1; minus strand). Cytogenetic location: 6q25.2.
Variant type: single nucleotide variant.
Coding change: c.12035G>T on transcript NM_182961.4 (MANE Select); coding-DNA position 12035, G replaced by T.
Protein change: p.Gly4012Val; replaces glycine 4012 with valine.
Molecular consequence: missense variant.
Genome position (GRCh38, 1-based): chr6:152,347,102, C>A on the plus strand (G>T on the coding strand, the complement: SYNE1 is on the minus strand). VCF-style: chr6-152347102-C-A. GRCh37 (hg19) VCF-style: chr6-152668237-C-A.
Other names: c.11822G>T, p.Gly3941Val (NM_033071.5); short protein forms G3941V, G4012V.
Identifiers: ClinVar variation 1046916 (VCV001046916.8), dbSNP rs745342797, ClinGen allele CA366114140.
Genomic context (GRCh38, chr6:152,347,102, plus strand): 5'-GTTCTGGGGGCACTCACCCTCTGAGCTGTGCTGCAGATCGCTGAGTAGCTGTCCTTTGTG[C>A]CCTGCAGATGAGCATGCACGTTTTGTTTAAGTTTCGCTTGCAGGTGGTCTGCACATTGGC-3'
Protein context (NP_892006.3, residues 4002-4022): LKQNVHAHLQ[Gly4012Val]TKDSYSAICS